The following is an entry in ClinVar:

NM_018646.6(TRPV6):c.1033C>T (p.Arg345Cys)

Gene: TRPV6 (transient receptor potential cation channel subfamily V member 6; minus strand). Cytogenetic location: 7q34.
Variant type: single nucleotide variant.
Coding change: c.1033C>T on transcript NM_018646.6 (MANE Select); coding-DNA position 1033, C replaced by T.
Protein change: p.Arg345Cys; replaces arginine 345 with cysteine.
Molecular consequence: missense variant.
Genome position (GRCh38, 1-based): chr7:142,875,677, G>A on the plus strand (C>T on the coding strand, the complement: TRPV6 is on the minus strand). VCF-style: chr7-142875677-G-A. GRCh37 (hg19) VCF-style: chr7-142573430-G-A.
Other names: short protein forms R345C.
Identifiers: ClinVar variation 3613671 (VCV003613671.2).
Genomic context (GRCh38, chr7:142,875,677, plus strand): 5'-CGTACCGCTTCCACTTGAGGCTCACCAGCTCCTTCACCGGCGTCTGGTCCAGGATCTGGC[G>A]AGCCTGCAACAGAAAGAGAACAGGTGGCTCAGAGACCCTGACACCCCTCCCCAGCCACAG-3'
Protein context (NP_061116.5, residues 335-355): LIITTKKREA[Arg345Cys]QILDQTPVKE

ClinVar aggregate classification (germline): Uncertain significance (1 of 4 stars; one submission).

gnomAD v4.1: 4 of 1,611,352 alleles (0.00025%); highest among the groups gnomAD compares: South Asian, 0.0011%; no homozygotes.

Submission:

Labcorp Genetics (formerly Invitae), Labcorp
Classification: Uncertain significance. Last evaluated: 2025-08-17. Review status: criteria provided, single submitter. Criteria: Invitae Variant Classification Sherloc (09022015). Collection method: clinical testing. Allele origin: germline.
Comment: This sequence change replaces arginine, which is basic and polar, with cysteine, which is neutral and slightly polar, at codon 345 of the TRPV6 protein (p.Arg345Cys). This variant is present in population databases (rs775866936, gnomAD 0.003%). This missense change has been observed in individual(s) with chronic pancreatitis (PMID: 31930989, 34923708). ClinVar contains an entry for this variant (Variation ID: 3613671). Experimental studies and prediction algorithms are not available or were not evaluated, and the functional significance of this variant is currently unknown. In summary, the available evidence is currently insufficient to determine the role of this variant in disease. Therefore, it has been classified as a Variant of Uncertain Significance.

Literature cited by the submitters: PubMed 31930989; PubMed 34923708.